The following is an entry in ClinVar:

ClinVar aggregate classification (germline): Uncertain significance (1 of 4 stars; one submission).

Conditions:
Inborn genetic diseases. Identifiers: MedGen C0950123, MeSH D030342.

Submission:

Ambry Genetics
Classification: Uncertain significance for Inborn genetic diseases. Last evaluated: 2025-05-17. Review status: criteria provided, single submitter. Criteria: Ambry Variant Classification Scheme 2023. Collection method: clinical testing. Allele origin: germline.
Comment: The p.R1645S variant (also known as c.4933C>A), located in coding exon 20 of the FANCM gene, results from a C to A substitution at nucleotide position 4933. The arginine at codon 1645 is replaced by serine, an amino acid with dissimilar properties. This amino acid position is conserved. In addition, this alteration is predicted to be tolerated by in silico analysis. Based on the available evidence, the clinical significance of this variant remains unclear.

NM_020937.4(FANCM):c.4933C>A (p.Arg1645Ser)

Gene: FANCM (FA complementation group M; plus strand). Cytogenetic location: 14q21.2.
Variant type: single nucleotide variant.
Coding change: c.4933C>A on transcript NM_020937.4 (MANE Select); coding-DNA position 4933, C replaced by A.
Protein change: p.Arg1645Ser; replaces arginine 1645 with serine.
Molecular consequence: missense variant.
Genome position (GRCh38, 1-based): chr14:45,188,955, C>A. VCF-style: chr14-45188955-C-A. GRCh37 (hg19) VCF-style: chr14-45658158-C-A.
Other names: c.4855C>A, p.Arg1619Ser (NM_001308133.2); short protein forms R1619S, R1645S.
Identifiers: ClinVar variation 4022790 (VCV004022790.1).
Genomic context (GRCh38, chr14:45,188,955, plus strand): 5'-GTTGATTTTAACTTAATAACTGATGATTGCTTTGCAAATAGTAAAAAGTATAAAACTCGA[C>A]GTGCAGTAATGCTAAAAGAAATGATGGAACAAAATTGTGCACATTCAAAAAAGAAATTAT-3'
Protein context (NP_065988.1, residues 1635-1655): FANSKKYKTR[Arg1645Ser]AVMLKEMMEQ